The following is an entry in ClinVar:

ClinVar aggregate classification (germline): Conflicting classifications of pathogenicity. Review status: criteria provided, conflicting classifications (1 of 4 stars). 5 submissions from 5 submitters: Uncertain significance (1); Likely benign (3). 1 of the submissions does not count toward it. Last evaluated 2026-01-26.

Conditions:
Microcephalic osteodysplastic primordial dwarfism type II (MOPD2). Also called: MOPD II; OSTEODYSPLASTIC PRIMORDIAL DWARFISM, TYPE II; Microcephalic osteodysplastic primordial dwarfism with tooth abnormalities. Identifiers: Orphanet 2637, MedGen C0432246, MONDO:0008872, OMIM 210720.
PCNT-related disorder. Also called: PCNT-related condition.

Allele frequency attached by ClinVar (database versions not stated): gnomAD exomes 0.00010 and 0.00011; gnomAD 0.00011 and 0.00012; TOPMed 0.00011; ESP Exome Variant Server 0.00015; ExAC 0.00017.
gnomAD v4.1: 187 of 1,609,492 alleles (0.012%); highest among the groups gnomAD compares: Middle Eastern, 0.033%; no homozygotes.

Submissions (5):

Labcorp Genetics (formerly Invitae), Labcorp
Classification: Likely benign. Last evaluated: 2026-01-26. Review status: criteria provided, single submitter. Criteria: Invitae Variant Classification Sherloc (09022015). Collection method: clinical testing. Allele origin: germline.

Blueprint Genetics
Classification: Likely benign. Last evaluated: 2024-10-08. Review status: criteria provided, single submitter. Criteria: ACMG Guidelines, 2015. Collection method: clinical testing. Allele origin: germline.

CeGaT Center for Human Genetics Tuebingen
Classification: Likely benign. Last evaluated: 2024-08-01. Review status: criteria provided, single submitter. Criteria: CeGaT Center For Human Genetics Tuebingen Variant Classification Criteria Version 2. Collection method: clinical testing. Allele origin: germline. Affected: yes. Observed: 1 variant allele.
Comment: PCNT: BP4, BP7

Illumina Laboratory Services, Illumina
Classification: Uncertain significance for Microcephalic osteodysplastic primordial dwarfism type II. Last evaluated: 2018-01-13. Review status: criteria provided, single submitter. Criteria: ICSL Variant Classification Criteria 13 December 2019. Collection method: clinical testing. Allele origin: germline.

PreventionGenetics, part of Exact Sciences
Classification: Likely benign for PCNT-related condition. Last evaluated: 2022-02-08. Review status: no assertion criteria provided. Collection method: clinical testing. Allele origin: germline. Not counted in ClinVar's aggregate classification.
Comment: This variant is classified as likely benign based on ACMG/AMP sequence variant interpretation guidelines (Richards et al. 2015 PMID: 25741868, with internal and published modifications).

NM_006031.6(PCNT):c.4056C>T (p.Ala1352=)

Gene: PCNT (pericentrin; plus strand). Cytogenetic location: 21q22.3.
Variant type: single nucleotide variant.
Coding change: c.4056C>T on transcript NM_006031.6 (MANE Select); coding-DNA position 4056, C replaced by T.
Protein change: p.Ala1352=; no amino-acid change (alanine 1352 retained).
Molecular consequence: synonymous variant.
Genome position (GRCh38, 1-based): chr21:46,391,216, C>T. VCF-style: chr21-46391216-C-T. GRCh37 (hg19) VCF-style: chr21-47811131-C-T.
Other names: c.3702C>T, p.Ala1234= (NM_001315529.2).
Identifiers: ClinVar variation 723632 (VCV000723632.30), dbSNP rs141211481, ClinGen allele CA10079525.